The following is an entry in ClinVar:

ClinVar aggregate classification (germline): Likely pathogenic (1 of 4 stars; one submission).

Conditions:
Glycogen storage disease, type V (GSD5). Also called: MCARDLE DISEASE; MUSCLE GLYCOGEN PHOSPHORYLASE DEFICIENCY; MYOPHOSPHORYLASE DEFICIENCY; PYGM DEFICIENCY; McArdle type glycogen storage disease. Identifiers: Orphanet 368, MedGen C0017924, MONDO:0009293, OMIM 232600.

Submission:

Natera, Inc.
Classification: Likely pathogenic for Glycogen storage disease V. Last evaluated: 2025-10-20. Review status: criteria provided, single submitter. Criteria: Natera Variant Classification Schema (03/2026). Collection method: clinical testing. Allele origin: germline.
Comment: The c.2394G>A variant in PYGM is a nonsense variant predicted to introduce a stop codon at amino acid 798. This variant is expected to result in nonsense mediated decay, truncation, or a dysfunctional protein product. This variant is rare in the general population with a frequency below the threshold expected for the associated phenotype(s). Given the available evidence, this variant is classified as Likely Pathogenic.

NM_005609.4(PYGM):c.2394G>A (p.Trp798Ter)

Gene: PYGM (glycogen phosphorylase, muscle associated; minus strand). Cytogenetic location: 11q13.1.
Variant type: single nucleotide variant.
Coding change: c.2394G>A on transcript NM_005609.4 (MANE Select); coding-DNA position 2394, G replaced by A.
Protein change: p.Trp798Ter; replaces tryptophan 798 with a stop codon.
Molecular consequence: nonsense.
Genome position (GRCh38, 1-based): chr11:64,746,794, C>T on the plus strand (G>A on the coding strand, the complement: PYGM is on the minus strand). VCF-style: chr11-64746794-C-T. GRCh37 (hg19) VCF-style: chr11-64514266-C-T.
Other names: c.2130G>A, p.Trp710Ter (NM_001164716.1); short protein forms W710*, W798*.
Identifiers: ClinVar variation 4815434 (VCV004815434.1).